The following is an entry in ClinVar:

NM_000051.4(ATM):c.3475G>C (p.Ala1159Pro)

Gene: ATM (ATM serine/threonine kinase; plus strand). Cytogenetic location: 11q22.3.
Variant type: single nucleotide variant.
Coding change: c.3475G>C on transcript NM_000051.4 (MANE Select); coding-DNA position 3475, G replaced by C.
Protein change: p.Ala1159Pro; replaces alanine 1159 with proline.
Molecular consequence: missense variant.
Genome position (GRCh38, 1-based): chr11:108,281,067, G>C. VCF-style: chr11-108281067-G-C. GRCh37 (hg19) VCF-style: chr11-108151794-G-C.
Other names: c.3475G>C, p.Ala1159Pro (NM_001351834.2); short protein forms A1159P.
Identifiers: ClinVar variation 1731777 (VCV001731777.2), dbSNP rs2135667356, ClinGen allele CA382519472.
Genomic context (GRCh38, chr11:108,281,067, plus strand): 5'-GAGAACCCTGAAACTTTGGATGAAATTTATAATAGAAAATCTGTTTTACTGACGTTGATA[G>C]CTGTGGTTTTATCCTGTAGCCCTATCTGCGAAAAACAGGCTTTGTTTGCCCTGTGTAAAT-3'
Protein context (NP_000042.3, residues 1149-1169): NRKSVLLTLI[Ala1159Pro]VVLSCSPICE

ClinVar aggregate classification (germline): Uncertain significance (1 of 4 stars; one submission).

Conditions:
Hereditary cancer-predisposing syndrome. Also called: Neoplastic Syndromes, Hereditary; Tumor predisposition; Hereditary Cancer Syndrome; Hereditary neoplastic syndrome. Identifiers: Orphanet 140162, MedGen C0027672, MeSH D009386, MONDO:0015356.

Submission:

Ambry Genetics
Classification: Uncertain significance for Hereditary cancer-predisposing syndrome. Last evaluated: 2022-08-11. Review status: criteria provided, single submitter. Criteria: Ambry Variant Classification Scheme 2023. Collection method: clinical testing. Allele origin: germline.
Comment: The p.A1159P variant (also known as c.3475G>C), located in coding exon 23 of the ATM gene, results from a G to C substitution at nucleotide position 3475. The alanine at codon 1159 is replaced by proline, an amino acid with highly similar properties. This amino acid position is conserved. In addition, the in silico prediction for this alteration is inconclusive. Since supporting evidence is limited at this time, the clinical significance of this alteration remains unclear.